The following is an entry in ClinVar:

ClinVar aggregate classification (germline): Uncertain significance (1 of 4 stars; one submission).

Submission:

Labcorp Genetics (formerly Invitae), Labcorp
Classification: Uncertain significance. Last evaluated: 2022-07-09. Review status: criteria provided, single submitter. Criteria: Invitae Variant Classification Sherloc (09022015). Collection method: clinical testing. Allele origin: germline.
Comment: This sequence change replaces glycine, which is neutral and non-polar, with glutamic acid, which is acidic and polar, at codon 326 of the ABHD5 protein (p.Gly326Glu). This variant is not present in population databases (gnomAD no frequency). This missense change has been observed in individual(s) with clinical features of ABHD5-related conditions (PMID: 29023646). Algorithms developed to predict the effect of missense changes on protein structure and function (SIFT, PolyPhen-2, Align-GVGD) all suggest that this variant is likely to be disruptive. In summary, the available evidence is currently insufficient to determine the role of this variant in disease. Therefore, it has been classified as a Variant of Uncertain Significance.

Literature cited by the submitters: PubMed 29023646.

NM_016006.6(ABHD5):c.977G>A (p.Gly326Glu)

Gene: ABHD5 (abhydrolase domain containing 5, lysophosphatidic acid acyltransferase; plus strand). Cytogenetic location: 3p21.33.
Variant type: single nucleotide variant.
Coding change: c.977G>A on transcript NM_016006.6 (MANE Select); coding-DNA position 977, G replaced by A.
Protein change: p.Gly326Glu; replaces glycine 326 with glutamic acid.
Molecular consequence: missense variant. On other transcripts: non-coding transcript variant (1).
Genome position (GRCh38, 1-based): chr3:43,718,459, G>A. VCF-style: chr3-43718459-G-A. GRCh37 (hg19) VCF-style: chr3-43759951-G-A.
Other names: c.977G>A, p.Gly326Glu (NM_001355186.2); c.854G>A, p.Gly285Glu (NM_001365649.1); c.790G>A, p.Asp264Asn (NM_001365650.1); short protein forms G326E, D264N, G285E.
Identifiers: ClinVar variation 2151973 (VCV002151973.3), dbSNP rs2528799885, ClinGen allele CA352347921.